The following is an entry in ClinVar:

NM_024312.5(GNPTAB):c.2243T>C (p.Ile748Thr)

Gene: GNPTAB (N-acetylglucosamine-1-phosphate transferase subunits alpha and beta; minus strand). Cytogenetic location: 12q23.2.
Variant type: single nucleotide variant.
Coding change: c.2243T>C on transcript NM_024312.5 (MANE Select); coding-DNA position 2243, T replaced by C.
Protein change: p.Ile748Thr; replaces isoleucine 748 with threonine.
Molecular consequence: missense variant.
Genome position (GRCh38, 1-based): chr12:101,764,674, A>G on the plus strand (T>C on the coding strand, the complement: GNPTAB is on the minus strand). VCF-style: chr12-101764674-A-G. GRCh37 (hg19) VCF-style: chr12-102158452-A-G.
Other names: short protein forms I748T.
Identifiers: ClinVar variation 1429692 (VCV001429692.8), dbSNP rs2137116813, ClinGen allele CA386298679.

ClinVar aggregate classification (germline): Uncertain significance (1 of 4 stars; one submission).

Conditions:
Pseudo-Hurler polydystrophy. Also called: ML III; ML III ALPHA/BETA; MUCOLIPIDOSIS IIIA; Type III Mucolipidosis; ML IIIA; Mucolipidosis III Alpha/Beta. Identifiers: Orphanet 423461, Orphanet 577, MedGen C0033788, MONDO:0018931, OMIM 252600.
Mucolipidosis type II. Also called: ML II ALPHA/BETA; Mucolipidosis 2; ML 2; Inclusion cell disease; Leroy Disease; N-acetylglucosamine 1phosphotransferase deficiency. Identifiers: Orphanet 576, MedGen C2673377, MONDO:0009650, OMIM 252500.

Submission:

Labcorp Genetics (formerly Invitae), Labcorp
Classification: Uncertain significance for Pseudo-Hurler polydystrophy; Mucolipidosis type II. Last evaluated: 2021-07-04. Review status: criteria provided, single submitter. Criteria: Invitae Variant Classification Sherloc (09022015). Collection method: clinical testing. Allele origin: germline.
Comment: This sequence change replaces isoleucine with threonine at codon 748 of the GNPTAB protein (p.Ile748Thr). The isoleucine residue is moderately conserved and there is a moderate physicochemical difference between isoleucine and threonine. This variant is not present in population databases (ExAC no frequency). This variant has not been reported in the literature in individuals affected with GNPTAB-related conditions. Advanced modeling of protein sequence and biophysical properties (such as structural, functional, and spatial information, amino acid conservation, physicochemical variation, residue mobility, and thermodynamic stability) performed at Invitae indicates that this missense variant is not expected to disrupt GNPTAB protein function. In summary, the available evidence is currently insufficient to determine the role of this variant in disease. Therefore, it has been classified as a Variant of Uncertain Significance.